The following is an entry in ClinVar:

NM_003839.4(TNFRSF11A):c.1682C>A (p.Ala561Glu)

Gene: TNFRSF11A (TNF receptor superfamily member 11a; plus strand). Cytogenetic location: 18q21.33.
Variant type: single nucleotide variant.
Coding change: c.1682C>A on transcript NM_003839.4 (MANE Select); coding-DNA position 1682, C replaced by A.
Protein change: p.Ala561Glu; replaces alanine 561 with glutamic acid.
Molecular consequence: missense variant. On other transcripts: 3 prime UTR variant (1).
Genome position (GRCh38, 1-based): chr18:62,384,865, C>A. VCF-style: chr18-62384865-C-A. GRCh37 (hg19) VCF-style: chr18-60052098-C-A.
Other names: c.*106C>A (NM_001270949.2); c.845C>A, p.Ala282Glu (NM_001270950.2); c.731C>A, p.Ala244Glu (NM_001270951.2); c.1640C>A, p.Ala547Glu (NM_001278268.2); short protein forms A547E, A561E, A244E, A282E.
Identifiers: ClinVar variation 1936211 (VCV001936211.6), dbSNP rs150104634, ClinGen allele CA8984028.

ClinVar aggregate classification (germline): Uncertain significance. Review status: criteria provided, multiple submitters, no conflicts (2 of 4 stars). 2 submissions from 2 submitters: Uncertain significance (2). Last evaluated 2025-08-20.

Conditions:
Inborn genetic diseases. Identifiers: MedGen C0950123, MeSH D030342.

gnomAD v4.1: 29 of 1,601,994 alleles (0.0018%); highest among the groups gnomAD compares: Non-Finnish European, 0.0025%; no homozygotes.

Submissions (2):

Ambry Genetics
Classification: Uncertain significance for Inborn genetic diseases. Last evaluated: 2025-08-20. Review status: criteria provided, single submitter. Criteria: Ambry Variant Classification Scheme 2023. Collection method: clinical testing. Allele origin: germline.

Labcorp Genetics (formerly Invitae), Labcorp
Classification: Uncertain significance. Last evaluated: 2024-03-23. Review status: criteria provided, single submitter. Criteria: Invitae Variant Classification Sherloc (09022015). Collection method: clinical testing. Allele origin: germline.
Comment: This sequence change replaces alanine, which is neutral and non-polar, with glutamic acid, which is acidic and polar, at codon 561 of the TNFRSF11A protein (p.Ala561Glu). The frequency data for this variant in the population databases is considered unreliable, as metrics indicate poor data quality at this position in the gnomAD database. This variant has not been reported in the literature in individuals affected with TNFRSF11A-related conditions. ClinVar contains an entry for this variant (Variation ID: 1936211). An algorithm developed to predict the effect of missense changes on protein structure and function (PolyPhen-2) suggests that this variant is likely to be tolerated. In summary, the available evidence is currently insufficient to determine the role of this variant in disease. Therefore, it has been classified as a Variant of Uncertain Significance.